The following is an entry in ClinVar:

NM_001349253.2(SCN11A):c.3187A>G (p.Ile1063Val)

Gene: SCN11A (sodium voltage-gated channel alpha subunit 11; minus strand). Cytogenetic location: 3p22.2.
Variant type: single nucleotide variant.
Coding change: c.3187A>G on transcript NM_001349253.2 (MANE Select); coding-DNA position 3187, A replaced by G.
Protein change: p.Ile1063Val; replaces isoleucine 1063 with valine.
Molecular consequence: missense variant.
Genome position (GRCh38, 1-based): chr3:38,883,265, T>C on the plus strand (A>G on the coding strand, the complement: SCN11A is on the minus strand). VCF-style: chr3-38883265-T-C. GRCh37 (hg19) VCF-style: chr3-38924756-T-C.
Other names: c.3187A>G, p.Ile1063Val (NM_014139.3); short protein forms I1063V.
Identifiers: ClinVar variation 2090663 (VCV002090663.4), dbSNP rs771994869, ClinGen allele CA2321859.

ClinVar aggregate classification (germline): Uncertain significance (1 of 4 stars; one submission).

Conditions:
Hereditary sensory and autonomic neuropathy type 7. Also called: HSAN VII; Neuropathy, hereditary sensory and autonomic, type VII. Identifiers: Orphanet 391397, MedGen C3809882, MONDO:0014244, OMIM 615548.
Familial episodic pain syndrome with predominantly lower limb involvement. Also called: Episodic pain syndrome, familial, 3. Identifiers: Orphanet 391384, Orphanet 391392, MedGen C3809899, MONDO:0014247, OMIM 615552.

Allele frequency attached by ClinVar (database versions not stated): gnomAD exomes below 0.00001; TOPMed below 0.00001; ExAC 0.00001; gnomAD 0.00001.
gnomAD v4.1: 2 of 1,613,766 alleles (0.00012%); highest among the groups gnomAD compares: Admixed American, 0.0017%; no homozygotes.

Submission:

Labcorp Genetics (formerly Invitae), Labcorp
Classification: Uncertain significance for Familial episodic pain syndrome with predominantly lower limb involvement; Hereditary sensory and autonomic neuropathy type 7. Last evaluated: 2022-01-28. Review status: criteria provided, single submitter. Criteria: Invitae Variant Classification Sherloc (09022015). Collection method: clinical testing. Allele origin: germline.
Comment: In summary, the available evidence is currently insufficient to determine the role of this variant in disease. Therefore, it has been classified as a Variant of Uncertain Significance. Algorithms developed to predict the effect of missense changes on protein structure and function (SIFT, PolyPhen-2, Align-GVGD) all suggest that this variant is likely to be disruptive. This variant has not been reported in the literature in individuals affected with SCN11A-related conditions. This variant is present in population databases (rs771994869, gnomAD 0.0009%). This sequence change replaces isoleucine, which is neutral and non-polar, with valine, which is neutral and non-polar, at codon 1063 of the SCN11A protein (p.Ile1063Val).